The following is an entry in ClinVar:

ClinVar aggregate classification (germline): Pathogenic/Likely pathogenic. Review status: criteria provided, multiple submitters, no conflicts (2 of 4 stars). 2 submissions from 2 submitters: Pathogenic (1); Likely pathogenic (1). Last evaluated 2025-01-16.

Conditions:
Leukoencephalopathy with brain stem and spinal cord involvement-high lactate syndrome (LBSL). Also called: LEUKOENCEPHALOPATHY WITH BRAINSTEM AND SPINAL CORD INVOLVEMENT AND LACTATE ELEVATION, MILD; Leukoencephalopathy with Brainstem and Spinal Cord Involvement and Lactate Elevation; MITOCHONDRIAL ASPARTYL-tRNA SYNTHETASE DEFICIENCY. Identifiers: Orphanet 137898, MedGen C1970180, MONDO:0012622, OMIM 611105.

Submissions (2):

Broad Center for Mendelian Genomics, Broad Institute of MIT and Harvard
Classification: Pathogenic for Leukoencephalopathy with brain stem and spinal cord involvement-high lactate syndrome. Last evaluated: 2025-01-16. Review status: criteria provided, single submitter. Criteria: ACMG Guidelines, 2015. Collection method: curation. Allele origin: germline. Inheritance: Autosomal recessive inheritance.
Comment: The p.Glu98Asp variant in DARS2 has been reported, in the compound heterozygous state, in 1 individual with leukoencephalopathy with brain stem and spinal cord involvement-high lactate syndrome (PMID: 31912665), and has been identified in 0.00008% (1/1111020) of European (non-Finish) chromosomes by the Genome Aggregation Database (gnomAD). Although this variant has been seen in the general population in a heterozygous state, its frequency is low enough to be consistent with a recessive carrier frequency. This variant has also been reported in ClinVar (Variation ID: 1916206) and has been interpreted as a variant of uncertain significance by Invitae. This variant is located in the last three bases of the exon, which is part of the 3' splice region. A minigene assay to determine the splicing effect showed skipping of exon 3, which is predicted to lead to a truncated or absent protein (PMID: 31912665). Loss of function of the DARS2 gene is an established disease mechanism in autosomal recessive leukoencephalopathy with brain stem and spinal cord involvement-high lactate syndrome. In summary, this variant meets criteria to be classified as pathogenic for autosomal recessive leukoencephalopathy with brain stem and spinal cord involvement-high lactate syndrome. ACMG/AMP Criteria applied: PVS1, PM3, PM2_supporting (Richards 2015).

Labcorp Genetics (formerly Invitae), Labcorp
Classification: Likely pathogenic. Last evaluated: 2024-04-18. Review status: criteria provided, single submitter. Criteria: Invitae Variant Classification Sherloc (09022015). Collection method: clinical testing. Allele origin: germline.
Comment: This sequence change replaces glutamic acid, which is acidic and polar, with aspartic acid, which is acidic and polar, at codon 98 of the DARS2 protein (p.Glu98Asp). This variant also falls at the last nucleotide of exon 3, which is part of the consensus splice site for this exon. This variant is not present in population databases (gnomAD no frequency). This missense change has been observed in individual(s) with leukoencephalopathy (PMID: 31912665; Invitae). In at least one individual the data is consistent with being in trans (on the opposite chromosome) from a pathogenic variant. ClinVar contains an entry for this variant (Variation ID: 1916206). An algorithm developed to predict the effect of missense changes on protein structure and function (PolyPhen-2) suggests that this variant is likely to be tolerated. Variants that disrupt the consensus splice site are a relatively common cause of aberrant splicing (PMID: 17576681, 9536098). Algorithms developed to predict the effect of sequence changes on RNA splicing suggest that this variant may disrupt the consensus splice site. In summary, the currently available evidence indicates that the variant is pathogenic, but additional data are needed to prove that conclusively. Therefore, this variant has been classified as Likely Pathogenic.

Literature cited by the submitters: PubMed 31912665 (cited by Labcorp Genetics (formerly Invitae), Labcorp); PubMed 17576681 (cited by Labcorp Genetics (formerly Invitae), Labcorp); PubMed 9536098 (cited by Labcorp Genetics (formerly Invitae), Labcorp).

NM_018122.5(DARS2):c.294G>T (p.Glu98Asp)

Gene: DARS2 (aspartyl-tRNA synthetase 2, mitochondrial; plus strand). Cytogenetic location: 1q25.1.
Variant type: single nucleotide variant.
Coding change: c.294G>T on transcript NM_018122.5 (MANE Select); coding-DNA position 294, G replaced by T.
Protein change: p.Glu98Asp; replaces glutamic acid 98 with aspartic acid.
Molecular consequence: missense variant.
Genome position (GRCh38, 1-based): chr1:173,828,399, G>T. VCF-style: chr1-173828399-G-T. GRCh37 (hg19) VCF-style: chr1-173797537-G-T.
Other names: NM_018122.5(DARS2):c.294G>T; p.Glu98Asp; c.294G>T, p.Glu98Asp (NM_001365212.1, NM_001365213.2); short protein forms E98D.
Identifiers: ClinVar variation 1916206 (VCV001916206.6), dbSNP rs746924883, ClinGen allele CA343757191.